The following is an entry in ClinVar:

NM_015631.6(TCTN3):c.1762G>A (p.Val588Ile)

Gene: TCTN3 (tectonic family member 3; minus strand). Cytogenetic location: 10q24.1.
Variant type: single nucleotide variant.
Coding change: c.1762G>A on transcript NM_015631.6 (MANE Select); coding-DNA position 1762, G replaced by A.
Protein change: p.Val588Ile; replaces valine 588 with isoleucine.
Molecular consequence: missense variant.
Genome position (GRCh38, 1-based): chr10:95,664,129, C>T on the plus strand (G>A on the coding strand, the complement: TCTN3 is on the minus strand). VCF-style: chr10-95664129-C-T. GRCh37 (hg19) VCF-style: chr10-97423886-C-T.
Other names: c.1816G>A, p.Val606Ile (NM_001013840.1); c.1318G>A, p.Val440Ile (NM_001143973.2); c.1666G>A, p.Val556Ile (NM_001410982.1); short protein forms V588I, V556I, V440I, V606I.
Identifiers: ClinVar variation 2139549 (VCV002139549.4), dbSNP rs1416641435, ClinGen allele CA377698759.

ClinVar aggregate classification (germline): Uncertain significance (1 of 4 stars; one submission).

Conditions:
Joubert syndrome 18 (JBTS18). Identifiers: Orphanet 2754, MedGen C3553758, MONDO:0013896, OMIM 614815.
Orofacial-digital syndrome IV (OFD4). Also called: BARAITSER-BURN SYNDROME; OFD SYNDROME WITH TIBIAL DEFECTS; OFD SYNDROME, BARAITSER-BURN TYPE; OFDS IV; ORAL-FACIAL-DIGITAL SYNDROME, TYPE IV; Orofaciodigital syndrome IV. Identifiers: Orphanet 2753, MedGen C0406727, MONDO:0009794, OMIM 258860.

Allele frequency attached by ClinVar (database versions not stated): gnomAD exomes below 0.00001.
gnomAD v4.1: 1 of 1,614,108 alleles (0.000062%); highest among the groups gnomAD compares: Admixed American, 0.0017%; no homozygotes.

Submission:

Labcorp Genetics (formerly Invitae), Labcorp
Classification: Uncertain significance for Joubert syndrome 18; Orofacial-digital syndrome IV. Last evaluated: 2022-04-13. Review status: criteria provided, single submitter. Criteria: Invitae Variant Classification Sherloc (09022015). Collection method: clinical testing. Allele origin: germline.
Comment: In summary, the available evidence is currently insufficient to determine the role of this variant in disease. Therefore, it has been classified as a Variant of Uncertain Significance. Algorithms developed to predict the effect of missense changes on protein structure and function output the following: SIFT: "Tolerated"; PolyPhen-2: "Benign"; Align-GVGD: "Class C0". The isoleucine amino acid residue is found in multiple mammalian species, which suggests that this missense change does not adversely affect protein function. This variant has not been reported in the literature in individuals affected with TCTN3-related conditions. This variant is present in population databases (no rsID available, gnomAD 0.003%). This sequence change replaces valine, which is neutral and non-polar, with isoleucine, which is neutral and non-polar, at codon 588 of the TCTN3 protein (p.Val588Ile).